The following is an entry in ClinVar:

NM_014927.5(CNKSR2):c.2154C>T (p.Cys718=)

Gene: CNKSR2 (connector enhancer of kinase suppressor of Ras 2; plus strand). Cytogenetic location: Xp22.12.
Variant type: single nucleotide variant.
Coding change: c.2154C>T on transcript NM_014927.5 (MANE Select); coding-DNA position 2154, C replaced by T.
Protein change: p.Cys718=; no amino-acid change (cysteine 718 retained).
Molecular consequence: synonymous variant.
Genome position (GRCh38, 1-based): chrX:21,609,079, C>T. VCF-style: chrX-21609079-C-T. GRCh37 (hg19) VCF-style: chrX-21627197-C-T.
Other names: c.2064C>T, p.Cys688= (NM_001168647.3, NM_001330773.2); c.2154C>T, p.Cys718= (NM_001168648.3); c.2007C>T, p.Cys669= (NM_001168649.3, NM_001330770.2); c.1917C>T, p.Cys639= (NM_001330771.2, NM_001330772.2).
Identifiers: ClinVar variation 2660146 (VCV002660146.25), dbSNP rs751955877, ClinGen allele CA10366745.
Genomic context (GRCh38, chrX:21,609,079, plus strand): 5'-TGGAAGTGGTCTGTTATTTTGGCACAGACTAATCAGGGGCTCCTTTCTACAGATGAGTTG[C>T]GCCAGTCCTTATGTGGAAGCAAAACATAGCCGACTTTCCTCCACGGAGACTTCTCAGTCT-3'
Protein context (NP_055742.2, residues 708-728): DTYPRPPSMS[Cys718=]ASPYVEAKHS

ClinVar aggregate classification (germline): Likely benign. Review status: criteria provided, multiple submitters, no conflicts (2 of 4 stars). 2 submissions from 2 submitters: Likely benign (2). Last evaluated 2024-04-01.

Allele frequency attached by ClinVar (database versions not stated): gnomAD exomes 0.00005; ExAC 0.00006; gnomAD 0.00006; TOPMed 0.00010.
gnomAD v4.1: 71 of 1,201,682 alleles (0.0059%); highest among the groups gnomAD compares: Middle Eastern, 0.078%; no homozygotes.

Submissions (2):

Blueprint Genetics
Classification: Likely benign. Last evaluated: 2024-04-01. Review status: criteria provided, single submitter. Criteria: ACMG Guidelines, 2015. Collection method: clinical testing. Allele origin: germline.

CeGaT Center for Human Genetics Tuebingen
Classification: Likely benign. Last evaluated: 2022-06-01. Review status: criteria provided, single submitter. Criteria: CeGaT Center For Human Genetics Tuebingen Variant Classification Criteria Version 2. Collection method: clinical testing. Allele origin: germline. Affected: yes. Observed: 2 variant alleles.
Comment: CNKSR2: BP4, BP7